The following is an entry in ClinVar:

ClinVar aggregate classification (germline): Benign/Likely benign. Review status: criteria provided, multiple submitters, no conflicts (2 of 4 stars). 3 submissions from 3 submitters: Benign (2); Likely benign (1). Last evaluated 2026-02-03.

Allele frequency attached by ClinVar (database versions not stated): 1000 Genomes Project 30x 0.01062; 1000 Genomes Project 0.01118; ESP Exome Variant Server 0.01876; gnomAD exomes 0.01978.
gnomAD v4.1: 40,670 of 1,614,246 alleles (2.5%); highest among the groups gnomAD compares: Non-Finnish European, 2.9%; 594 homozygotes.

Submissions (3):

Labcorp Genetics (formerly Invitae), Labcorp
Classification: Benign. Last evaluated: 2026-02-03. Review status: criteria provided, single submitter. Criteria: Invitae Variant Classification Sherloc (09022015). Collection method: clinical testing. Allele origin: germline.

GeneDx
Classification: Likely benign. Last evaluated: 2021-04-08. Review status: criteria provided, single submitter. Criteria: GeneDx Variant Classification Process June 2021. Collection method: clinical testing. Allele origin: germline. Affected: yes.
Comment: See Variant Classification Assertion Criteria.

Breakthrough Genomics
Classification: Benign. Review status: criteria provided, single submitter. Criteria: ACMG Guidelines, 2015. Collection method: not provided. Allele origin: germline. Inheritance: Autosomal dominant inheritance. Affected: yes.

NM_138927.4(SON):c.636A>G (p.Ala212=)

Gene: SON (SON DNA and RNA binding protein; plus strand). Cytogenetic location: 21q22.11.
Variant type: single nucleotide variant.
Coding change: c.636A>G on transcript NM_138927.4 (MANE Select); coding-DNA position 636, A replaced by G.
Protein change: p.Ala212=; no amino-acid change (alanine 212 retained).
Molecular consequence: synonymous variant. On other transcripts: non-coding transcript variant (1), intron variant (1).
Genome position (GRCh38, 1-based): chr21:33,549,867, A>G. VCF-style: chr21-33549867-A-G. GRCh37 (hg19) VCF-style: chr21-34922173-A-G.
Other names: c.636A>G, p.Ala212= (NM_001291411.2, NM_032195.3); c.244+3488A>G (NM_001291412.3).
Identifiers: ClinVar variation 1169474 (VCV001169474.12), dbSNP rs79746820, ClinGen allele CA10008724.